The following is an entry in ClinVar:

NM_002283.4(KRT85):c.1044G>A (p.Arg348=)

Gene: KRT85 (keratin 85; minus strand). Cytogenetic location: 12q13.13.
Variant type: single nucleotide variant.
Coding change: c.1044G>A on transcript NM_002283.4 (MANE Select); coding-DNA position 1044, G replaced by A.
Protein change: p.Arg348=; no amino-acid change (arginine 348 retained).
Molecular consequence: synonymous variant.
Genome position (GRCh38, 1-based): chr12:52,362,887, C>T on the plus strand (G>A on the coding strand, the complement: KRT85 is on the minus strand). VCF-style: chr12-52362887-C-T. GRCh37 (hg19) VCF-style: chr12-52756671-C-T.
Other names: c.408G>A, p.Arg136= (NM_001300810.1); c.1044G>A (NM_002283.3).
Identifiers: ClinVar variation 2042256 (VCV002042256.29), dbSNP rs138197383, ClinGen allele CA6578047.
Genomic context (GRCh38, chr12:52,362,887, plus strand): 5'-CGTATTTGAATCCTCCACAGACCCCACCTGGCACTTGGCATTCTCAATCTCGGCCGTCAG[C>T]CTCTGGATCATGCGGTTCAGCTCGTTGATCTCCTCCTTGGTGCGGCGCAGGGTCTCCCCA-3'
Protein context (NP_002274.1, residues 338-358): EINELNRMIQ[Arg348=]LTAEIENAKC

ClinVar aggregate classification (germline): Benign/Likely benign. Review status: criteria provided, multiple submitters, no conflicts (2 of 4 stars). 3 submissions from 3 submitters: Benign (1); Likely benign (1). 1 of the submissions does not count toward it. Last evaluated 2025-10-14.

Conditions:
KRT85-related disorder. Also called: KRT85-related condition.

Allele frequency attached by ClinVar (database versions not stated): 1000 Genomes Project 30x 0.00094; 1000 Genomes Project 0.00120; TOPMed 0.00349; gnomAD 0.00384; ESP Exome Variant Server 0.00392; ExAC 0.00410.
gnomAD v4.1: 8,373 of 1,614,178 alleles (0.52%); highest among the groups gnomAD compares: Non-Finnish European, 0.61%; 28 homozygotes.

Submissions (3):

Labcorp Genetics (formerly Invitae), Labcorp
Classification: Benign. Last evaluated: 2025-10-14. Review status: criteria provided, single submitter. Criteria: Invitae Variant Classification Sherloc (09022015). Collection method: clinical testing. Allele origin: germline.

CeGaT Center for Human Genetics Tuebingen
Classification: Likely benign. Last evaluated: 2025-03-01. Review status: criteria provided, single submitter. Criteria: CeGaT Center For Human Genetics Tuebingen Variant Classification Criteria Version 2. Collection method: clinical testing. Allele origin: germline. Affected: yes. Observed: 3 variant alleles.
Comment: KRT85: BP4, BS2

PreventionGenetics, part of Exact Sciences
Classification: Benign for KRT85-related condition. Last evaluated: 2021-12-21. Review status: no assertion criteria provided. Collection method: clinical testing. Allele origin: germline. Not counted in ClinVar's aggregate classification.
Comment: This variant is classified as benign based on ACMG/AMP sequence variant interpretation guidelines (Richards et al. 2015 PMID: 25741868, with internal and published modifications).